The following is an entry in ClinVar:

ClinVar aggregate classification (germline): Uncertain significance (1 of 4 stars; one submission).

Conditions:
Retinitis pigmentosa 59 (RP59). Identifiers: Orphanet 791, MedGen C3151227, MONDO:0013468, OMIM 613861.

Submission:

Labcorp Genetics (formerly Invitae), Labcorp
Classification: Uncertain significance for Retinitis pigmentosa 59. Last evaluated: 2023-10-05. Review status: criteria provided, single submitter. Criteria: Invitae Variant Classification Sherloc (09022015). Collection method: clinical testing. Allele origin: germline.
Comment: This sequence change replaces arginine, which is basic and polar, with proline, which is neutral and non-polar, at codon 322 of the DHDDS protein (p.Arg322Pro). This variant is not present in population databases (gnomAD no frequency). This variant has not been reported in the literature in individuals affected with DHDDS-related conditions. An algorithm developed to predict the effect of missense changes on protein structure and function (PolyPhen-2) suggests that this variant is likely to be disruptive. In summary, the available evidence is currently insufficient to determine the role of this variant in disease. Therefore, it has been classified as a Variant of Uncertain Significance.

NM_205861.3(DHDDS):c.962G>C (p.Arg321Pro)

Gene: DHDDS (dehydrodolichyl diphosphate synthase subunit; plus strand). Cytogenetic location: 1p36.11.
Variant type: single nucleotide variant.
Coding change: c.962G>C on transcript NM_205861.3 (MANE Select); coding-DNA position 962, G replaced by C.
Protein change: p.Arg321Pro; replaces arginine 321 with proline.
Molecular consequence: missense variant.
Genome position (GRCh38, 1-based): chr1:26,469,091, G>C. VCF-style: chr1-26469091-G-C. GRCh37 (hg19) VCF-style: chr1-26795582-G-C.
Other names: c.965G>C, p.Arg322Pro (NM_024887.4); c.860G>C, p.Arg287Pro (NM_001243564.2); c.845G>C, p.Arg282Pro (NM_001243565.2); c.683G>C, p.Arg228Pro (NM_001319959.2); short protein forms R282P, R322P, R228P, R287P, R321P.
Identifiers: ClinVar variation 2901463 (VCV002901463.3), dbSNP rs562974074, ClinGen allele CA19777168.